The following is an entry in ClinVar:

ClinVar aggregate classification (germline): Likely benign (0 of 4 stars; one submission).

Conditions:
ARHGAP24-related disorder. Also called: ARHGAP24-related condition.

Allele frequency attached by ClinVar (database versions not stated): gnomAD 0.00001; ExAC 0.00002; TOPMed 0.00002; gnomAD exomes 0.00008.
gnomAD v4.1: 110 of 1,613,398 alleles (0.0068%); highest among the groups gnomAD compares: Non-Finnish European, 0.0092%; no homozygotes.

Submission:

PreventionGenetics, part of Exact Sciences
Classification: Likely benign for ARHGAP24-related condition. Last evaluated: 2020-11-20. Review status: no assertion criteria provided. Collection method: clinical testing. Allele origin: germline.
Comment: This variant is classified as likely benign based on ACMG/AMP sequence variant interpretation guidelines (Richards et al. 2015 PMID: 25741868, with internal and published modifications).

NM_001025616.3(ARHGAP24):c.726G>A (p.Glu242=)

Gene: ARHGAP24 (Rho GTPase activating protein 24; plus strand). Cytogenetic location: 4q21.23.
Variant type: single nucleotide variant.
Coding change: c.726G>A on transcript NM_001025616.3 (MANE Select); coding-DNA position 726, G replaced by A.
Protein change: p.Glu242=; no amino-acid change (glutamic acid 242 retained).
Molecular consequence: synonymous variant.
Genome position (GRCh38, 1-based): chr4:85,972,162, G>A. VCF-style: chr4-85972162-G-A. GRCh37 (hg19) VCF-style: chr4-86893315-G-A.
Other names: c.441G>A, p.Glu147= (NM_001042669.2); c.471G>A, p.Glu157= (NM_001287805.2); c.147G>A, p.Glu49= (NM_001346093.2); c.447G>A, p.Glu149= (NM_031305.3).
Identifiers: ClinVar variation 3048353 (VCV003048353.2), dbSNP rs752687721, ClinGen allele CA2994567.